The following is an entry in ClinVar:

NM_007294.4(BRCA1):c.345dup (p.Glu116Ter)

Gene: BRCA1 (BRCA1 DNA repair associated; minus strand). Cytogenetic location: 17q21.31.
Variant type: Duplication.
Coding change: c.345dup on transcript NM_007294.4 (MANE Select); coding-DNA position 345, one base duplicated (T; older notation c.345dupT).
Protein change: p.Glu116Ter; replaces glutamic acid 116 with a stop codon.
Molecular consequence: nonsense. On other transcripts: 5 prime UTR variant (7), frameshift variant (1), intron variant (2).
Genome position (GRCh38, 1-based): chr17:43,104,218, A duplicated on the plus strand (T on the coding strand, the reverse complement: BRCA1 is on the minus strand). VCF-style (leftmost placement, unchanged base first): chr17-43104217-C-CA. GRCh37 (hg19) VCF-style: chr17-41256234-C-CA.
Other names: c.345dup, p.Glu116Ter (NM_001407626.1, NM_001407602.1, NM_001407627.1 and 164 more transcripts); c.336dup, p.Glu113Ter (NM_001407646.1, NM_001407647.1, NM_001408408.1); c.267dup, p.Glu90Ter (NM_001407653.1, NM_001407654.1, NM_001407655.1 and 21 more transcripts); c.204dup, p.Glu69Ter (NM_001407692.1, NM_001407694.1, NM_001407695.1 and 99 more transcripts); c.135dup, p.Glu46Ter (NM_001407879.1, NM_001407881.1, NM_001407882.1 and 58 more transcripts); c.-37dup (NM_001407959.1, NM_001407960.1, NM_001407962.1 and 4 more transcripts); c.213dup, p.Glu72Ter (NM_001408451.1); c.345dup, p.Glu116Terfs (NM_007304.2); and 1 more; short protein forms E113*, E116*, E46*, E69*, E72*, E90*.
Identifiers: ClinVar variation 2674461 (VCV002674461.1), dbSNP rs2552252010, ClinGen allele CA2695200252.

ClinVar aggregate classification (germline): Pathogenic (1 of 4 stars; one submission).

Conditions:
Breast-ovarian cancer, familial, susceptibility to, 1 (BROVCA1). Also called: BRCA1 Hereditary Breast and Ovarian Cancer; OVARIAN CANCER, SUSCEPTIBILITY TO. Identifiers: Orphanet 145, MedGen C2676676, MONDO:0011450, OMIM 604370. Disease mechanism: loss of function.

Submission:

Myriad Genetics, Inc.
Classification: Pathogenic for Breast-ovarian cancer, familial, susceptibility to, 1. Last evaluated: 2023-09-08. Review status: criteria provided, single submitter. Criteria: Myriad Autosomal Dominant, Autosomal Recessive and X-Linked Classification Criteria (2023). Collection method: clinical testing. Allele origin: unknown.
Comment: This variant is considered pathogenic. This variant creates a termination codon and is predicted to result in premature protein truncation.